The following is an entry in ClinVar:

ClinVar aggregate classification (germline): Uncertain significance. Review status: criteria provided, multiple submitters, no conflicts (2 of 4 stars). 2 submissions from 2 submitters: Uncertain significance (2). Last evaluated 2024-11-06.

Conditions:
Hereditary cancer-predisposing syndrome. Also called: Neoplastic Syndromes, Hereditary; Tumor predisposition; Hereditary neoplastic syndrome; Hereditary Cancer Syndrome. Identifiers: Orphanet 140162, MedGen C0027672, MeSH D009386, MONDO:0015356.
Gorlin syndrome. Also called: Basal cell nevus syndrome; Nevoid Basal Cell Carcinoma Syndrome. Identifiers: Orphanet 377, MedGen C0004779, MONDO:0007187.

Submissions (2):

Ambry Genetics
Classification: Uncertain significance for Hereditary cancer-predisposing syndrome. Last evaluated: 2024-11-06. Review status: criteria provided, single submitter. Criteria: Ambry Variant Classification Scheme 2023. Collection method: clinical testing. Allele origin: germline.
Comment: The p.S928T variant (also known as c.2783G>C), located in coding exon 17 of the PTCH1 gene, results from a G to C substitution at nucleotide position 2783. The serine at codon 928 is replaced by threonine, an amino acid with similar properties. This amino acid position is highly conserved in available vertebrate species. In addition, this alteration is predicted to be deleterious by in silico analysis. Based on the available evidence, the clinical significance of this variant remains unclear.

Labcorp Genetics (formerly Invitae), Labcorp
Classification: Uncertain significance for Gorlin syndrome. Last evaluated: 2024-09-27. Review status: criteria provided, single submitter. Criteria: Invitae Variant Classification Sherloc (09022015). Collection method: clinical testing. Allele origin: germline.
Comment: This sequence change replaces serine, which is neutral and polar, with threonine, which is neutral and polar, at codon 928 of the PTCH1 protein (p.Ser928Thr). This variant is not present in population databases (gnomAD no frequency). This variant has not been reported in the literature in individuals affected with PTCH1-related conditions. ClinVar contains an entry for this variant (Variation ID: 524587). Invitae Evidence Modeling of protein sequence and biophysical properties (such as structural, functional, and spatial information, amino acid conservation, physicochemical variation, residue mobility, and thermodynamic stability) indicates that this missense variant is not expected to disrupt PTCH1 protein function with a negative predictive value of 95%. In summary, the available evidence is currently insufficient to determine the role of this variant in disease. Therefore, it has been classified as a Variant of Uncertain Significance.

NM_000264.5(PTCH1):c.2783G>C (p.Ser928Thr)

Gene: PTCH1 (patched 1; minus strand). Cytogenetic location: 9q22.32.
Variant type: single nucleotide variant.
Coding change: c.2783G>C on transcript NM_000264.5 (MANE Select); coding-DNA position 2783, G replaced by C.
Protein change: p.Ser928Thr; replaces serine 928 with threonine.
Molecular consequence: missense variant. On other transcripts: non-coding transcript variant (1).
Genome position (GRCh38, 1-based): chr9:95,459,704, C>G on the plus strand (G>C on the coding strand, the complement: PTCH1 is on the minus strand). VCF-style: chr9-95459704-C-G. GRCh37 (hg19) VCF-style: chr9-98221986-C-G.
Other names: c.2585G>C, p.Ser862Thr (NM_001083602.3); c.2780G>C, p.Ser927Thr (NM_001083603.3); c.2330G>C, p.Ser777Thr (NM_001083604.3, NM_001083605.3, NM_001083606.3 and 1 more transcripts); c.2627G>C, p.Ser876Thr (NM_001354918.2); short protein forms S928T, S862T, S876T, S777T, S927T.
Identifiers: ClinVar variation 524587 (VCV000524587.14), dbSNP rs1554691690, ClinGen allele CA374113088.